The following is an entry in ClinVar:

NM_001093.4(ACACB):c.7225G>A (p.Asp2409Asn)

Gene: ACACB (acetyl-CoA carboxylase beta; plus strand). Cytogenetic location: 12q24.11.
Variant type: single nucleotide variant.
Coding change: c.7225G>A on transcript NM_001093.4 (MANE Select); coding-DNA position 7225, G replaced by A.
Protein change: p.Asp2409Asn; replaces aspartic acid 2409 with asparagine.
Molecular consequence: missense variant.
Genome position (GRCh38, 1-based): chr12:109,265,500, G>A. VCF-style: chr12-109265500-G-A. GRCh37 (hg19) VCF-style: chr12-109703305-G-A.
Other names: c.7225G>A, p.Asp2409Asn (NM_001412734.1, NM_001412735.1); c.6619G>A, p.Asp2207Asn (NM_001412736.1); c.6598G>A, p.Asp2200Asn (NM_001412737.1); c.6430G>A, p.Asp2144Asn (NM_001412738.1); short protein forms D2144N, D2200N, D2207N, D2409N.
Identifiers: ClinVar variation 3352739 (VCV003352739.1).

ClinVar aggregate classification (germline): Likely benign (0 of 4 stars; one submission).

Conditions:
ACACB-related disorder. Also called: ACACB-related condition.

gnomAD v4.1: 736 of 1,613,742 alleles (0.046%); highest among the groups gnomAD compares: African/African-American, 0.34%; no homozygotes.

Submission:

PreventionGenetics, part of Exact Sciences
Classification: Likely benign for ACACB-related condition. Last evaluated: 2024-08-23. Review status: no assertion criteria provided. Collection method: clinical testing. Allele origin: germline.
Comment: This variant is classified as likely benign based on ACMG/AMP sequence variant interpretation guidelines (Richards et al. 2015 PMID: 25741868, with internal and published modifications).